The following is an entry in ClinVar:

ClinVar aggregate classification (germline): Uncertain significance (1 of 4 stars; one submission).

Conditions:
MAGEL2-related disorder. Also called: MAGEL2-related condition.

Submission:

PreventionGenetics, part of Exact Sciences
Classification: Uncertain significance for MAGEL2-related condition. Last evaluated: 2026-06-09. Review status: criteria provided, single submitter. Criteria: ACMG Guidelines, 2015. Collection method: clinical testing. Allele origin: germline.
Comment: The MAGEL2 c.525G>A variant is not predicted to result in an amino acid change (p.=). This variant may introduce a cryptic splice site in exon 1 based on splicing prediction programs, but the significance of this prediction is conflicting between programs (SpliceAI, Jaganathan et al. 2019. PubMed ID: 30661751; Alamut Visual Plus v.1.6.1). In addition, the use of computer prediction programs is not equivalent to functional evidence. To our knowledge, this variant has not been reported in the literature. This variant is reported in 0.014% of alleles in individuals of African descent in gnomAD. At this time, the clinical significance of this variant is uncertain due to the absence of conclusive functional and genetic evidence.

NM_019066.5(MAGEL2):c.525G>A (p.Pro175=)

Gene: MAGEL2 (MAGE family member L2; minus strand). Cytogenetic location: 15q11.2.
Variant type: single nucleotide variant.
Coding change: c.525G>A on transcript NM_019066.5 (MANE Select); coding-DNA position 525, G replaced by A.
Protein change: p.Pro175=; no amino-acid change (proline 175 retained).
Molecular consequence: synonymous variant.
Genome position (GRCh38, 1-based): chr15:23,647,218, C>T on the plus strand (G>A on the coding strand, the complement: MAGEL2 is on the minus strand). VCF-style: chr15-23647218-C-T. GRCh37 (hg19) VCF-style: chr15-23892365-C-T.
Identifiers: ClinVar variation 3350729 (VCV003350729.2).